The following is an entry in ClinVar:

NM_004385.5(VCAN):c.69A>T (p.Lys23Asn)

Gene: VCAN (versican; plus strand). Cytogenetic location: 5q14.2.
Variant type: single nucleotide variant.
Coding change: c.69A>T on transcript NM_004385.5 (MANE Select); coding-DNA position 69, A replaced by T.
Protein change: p.Lys23Asn; replaces lysine 23 with asparagine.
Molecular consequence: missense variant.
Genome position (GRCh38, 1-based): chr5:83,483,587, A>T. VCF-style: chr5-83483587-A-T. GRCh37 (hg19) VCF-style: chr5-82779406-A-T.
Other names: c.69A>T, p.Lys23Asn (NM_001126336.3, NM_001164097.2, NM_001164098.2); short protein forms K23N.
Identifiers: ClinVar variation 2123326 (VCV002123326.5), dbSNP rs768072971, ClinGen allele CA3332364.

ClinVar aggregate classification (germline): Uncertain significance (1 of 4 stars; one submission).

Allele frequency attached by ClinVar (database versions not stated): TOPMed below 0.00001; ExAC 0.00001; gnomAD exomes 0.00001.
gnomAD v4.1: 3 of 1,613,128 alleles (0.00019%); highest among the groups gnomAD compares: East Asian, 0.0067%; no homozygotes.

Submissions (2):

Labcorp Genetics (formerly Invitae), Labcorp
Classification: Uncertain significance. Last evaluated: 2022-04-08. Review status: criteria provided, single submitter. Criteria: Invitae Variant Classification Sherloc (09022015). Collection method: clinical testing. Allele origin: germline.
Comment: This sequence change replaces lysine, which is basic and polar, with asparagine, which is neutral and polar, at codon 23 of the VCAN protein (p.Lys23Asn). This variant is present in population databases (rs768072971, gnomAD 0.006%). This variant has not been reported in the literature in individuals affected with VCAN-related conditions. Algorithms developed to predict the effect of missense changes on protein structure and function output the following: SIFT: "Deleterious"; PolyPhen-2: "Benign"; Align-GVGD: "Class C0". The asparagine amino acid residue is found in multiple mammalian species, which suggests that this missense change does not adversely affect protein function. In summary, the available evidence is currently insufficient to determine the role of this variant in disease. Therefore, it has been classified as a Variant of Uncertain Significance.

Dr. Peter K. Rogan Lab, Western University
No classification provided (evidence only). Condition: Gastric cancer. Review status: no classification provided. Collection method: in vitro. Allele origin: not applicable. Functional consequence: retained intron. Not counted in ClinVar's aggregate classification.